The following is an entry in ClinVar:

ClinVar aggregate classification (germline): Benign/Likely benign. Review status: criteria provided, multiple submitters, no conflicts (2 of 4 stars). 3 submissions from 3 submitters: Benign (1); Likely benign (2). Last evaluated 2026-09-01.

Allele frequency attached by ClinVar (database versions not stated): gnomAD exomes 0.00034 and 0.00088; ExAC 0.00110; 1000 Genomes Project 0.00280; 1000 Genomes Project 30x 0.00344; ESP Exome Variant Server 0.00357; gnomAD 0.00375 and 0.00399; TOPMed 0.00411.
gnomAD v4.1: 1,104 of 1,614,072 alleles (0.068%); highest among the groups gnomAD compares: African/African-American, 1.2%; 7 homozygotes.

Submissions (3):

CeGaT Center for Human Genetics Tuebingen
Classification: Likely benign. Last evaluated: 2026-09-01. Review status: criteria provided, single submitter. Criteria: CeGaT Center For Human Genetics Tuebingen Variant Classification Criteria Version 2. Collection method: clinical testing. Allele origin: germline. Affected: yes. Observed: 2 variant alleles.
Comment: MED13: BP4, BS1

Blueprint Genetics
Classification: Likely benign. Last evaluated: 2024-05-02. Review status: criteria provided, single submitter. Criteria: ACMG Guidelines, 2015. Collection method: clinical testing. Allele origin: germline.

Labcorp Genetics (formerly Invitae), Labcorp
Classification: Benign. Last evaluated: 2019-12-31. Review status: criteria provided, single submitter. Criteria: Invitae Variant Classification Sherloc (09022015). Collection method: clinical testing. Allele origin: germline.

NM_005121.3(MED13):c.4443C>T (p.Ala1481=)

Gene: MED13 (mediator complex subunit 13; minus strand). Cytogenetic location: 17q23.2.
Variant type: single nucleotide variant.
Coding change: c.4443C>T on transcript NM_005121.3 (MANE Select); coding-DNA position 4443, C replaced by T.
Protein change: p.Ala1481=; no amino-acid change (alanine 1481 retained).
Molecular consequence: synonymous variant.
Genome position (GRCh38, 1-based): chr17:61,965,407, G>A on the plus strand (C>T on the coding strand, the complement: MED13 is on the minus strand). VCF-style: chr17-61965407-G-A. GRCh37 (hg19) VCF-style: chr17-60042768-G-A.
Identifiers: ClinVar variation 710116 (VCV000710116.29), dbSNP rs115015260, ClinGen allele CA8692415.